The following is an entry in ClinVar:

ClinVar aggregate classification (germline): Benign (0 of 4 stars; one submission).

Conditions:
TANC2-related disorder. Also called: TANC2-related condition.

Allele frequency attached by ClinVar (database versions not stated): 1000 Genomes Project 30x 0.00874; 1000 Genomes Project 0.00899; TOPMed 0.01196; ESP Exome Variant Server 0.01323; gnomAD 0.01422; ExAC 0.01749; gnomAD exomes 0.02162.
gnomAD v4.1: 33,478 of 1,613,988 alleles (2.1%); highest among the groups gnomAD compares: South Asian, 2.8%; 419 homozygotes.

Submission:

PreventionGenetics, part of Exact Sciences
Classification: Benign for TANC2-related condition. Last evaluated: 2019-05-21. Review status: no assertion criteria provided. Collection method: clinical testing. Allele origin: germline.
Comment: This variant is classified as benign based on ACMG/AMP sequence variant interpretation guidelines (Richards et al. 2015 PMID: 25741868, with internal and published modifications).

NM_001394998.1(TANC2):c.5409C>T (p.Arg1803=)

Gene: TANC2 (tetratricopeptide repeat, ankyrin repeat and coiled-coil containing 2; plus strand). Cytogenetic location: 17q23.3.
Variant type: single nucleotide variant.
Coding change: c.5409C>T on transcript NM_001394998.1 (MANE Select); coding-DNA position 5409, C replaced by T.
Protein change: p.Arg1803=; no amino-acid change (arginine 1803 retained).
Molecular consequence: synonymous variant.
Genome position (GRCh38, 1-based): chr17:63,421,139, C>T. VCF-style: chr17-63421139-C-T. GRCh37 (hg19) VCF-style: chr17-61498500-C-T.
Other names: c.5187C>T, p.Arg1729= (NM_001411076.1); c.5157C>T, p.Arg1719= (NM_025185.4).
Identifiers: ClinVar variation 3056837 (VCV003056837.2), dbSNP rs117474655, ClinGen allele CA8698433.
Genomic context (GRCh38, chr17:63,421,139, plus strand): 5'-GCGACCTTCCTCAGCATACCGAGGTGGCGTGAGATACAGCCAGACACCACAGATCGGACG[C>T]AGCCAGTCAGCATCCTATTACCCAGTCTGTCACTCAAAACTAGATCTGGAGCGCTCCTCC-3'
Protein context (NP_001381927.1, residues 1793-1813): VRYSQTPQIG[Arg1803=]SQSASYYPVC